The following is an entry in ClinVar:

ClinVar aggregate classification (germline): Uncertain significance (1 of 4 stars; one submission).

Submission:

Labcorp Genetics (formerly Invitae), Labcorp
Classification: Uncertain significance. Last evaluated: 2023-12-14. Review status: criteria provided, single submitter. Criteria: Invitae Variant Classification Sherloc (09022015). Collection method: clinical testing. Allele origin: germline.
Comment: This sequence change replaces glutamic acid, which is acidic and polar, with lysine, which is basic and polar, at codon 455 of the NACC1 protein (p.Glu455Lys). This variant is not present in population databases (gnomAD no frequency). This variant has not been reported in the literature in individuals affected with NACC1-related conditions. ClinVar contains an entry for this variant (Variation ID: 2116069). Advanced modeling of protein sequence and biophysical properties (such as structural, functional, and spatial information, amino acid conservation, physicochemical variation, residue mobility, and thermodynamic stability) performed at Invitae indicates that this missense variant is not expected to disrupt NACC1 protein function with a negative predictive value of 80%. In summary, the available evidence is currently insufficient to determine the role of this variant in disease. Therefore, it has been classified as a Variant of Uncertain Significance.

NM_052876.4(NACC1):c.1363G>A (p.Glu455Lys)

Gene: NACC1 (nucleus accumbens associated 1; plus strand). Cytogenetic location: 19p13.13.
Variant type: single nucleotide variant.
Coding change: c.1363G>A on transcript NM_052876.4 (MANE Select); coding-DNA position 1363, G replaced by A.
Protein change: p.Glu455Lys; replaces glutamic acid 455 with lysine.
Molecular consequence: missense variant.
Genome position (GRCh38, 1-based): chr19:13,138,185, G>A. VCF-style: chr19-13138185-G-A. GRCh37 (hg19) VCF-style: chr19-13248999-G-A.
Other names: short protein forms E455K.
Identifiers: ClinVar variation 2116069 (VCV002116069.4), dbSNP rs1273403108, ClinGen allele CA404329933.